The following is an entry in ClinVar:

ClinVar aggregate classification (germline): Uncertain significance (1 of 4 stars; one submission).

Conditions:
Distal hereditary motor neuropathy type 2. Identifiers: Orphanet 139525, MedGen C3711384, MeSH C580044, MONDO:0015352.

Submission:

Labcorp Genetics (formerly Invitae), Labcorp
Classification: Uncertain significance for Distal hereditary motor neuropathy type 2. Last evaluated: 2023-07-18. Review status: criteria provided, single submitter. Criteria: Invitae Variant Classification Sherloc (09022015). Collection method: clinical testing. Allele origin: germline.
Comment: This variant has not been reported in the literature in individuals affected with FBXO38-related conditions. This sequence change replaces threonine, which is neutral and polar, with isoleucine, which is neutral and non-polar, at codon 256 of the FBXO38 protein (p.Thr256Ile). This variant is not present in population databases (gnomAD no frequency). Advanced modeling of protein sequence and biophysical properties (such as structural, functional, and spatial information, amino acid conservation, physicochemical variation, residue mobility, and thermodynamic stability) performed at Invitae indicates that this missense variant is not expected to disrupt FBXO38 protein function. In summary, the available evidence is currently insufficient to determine the role of this variant in disease. Therefore, it has been classified as a Variant of Uncertain Significance.

NM_205836.3(FBXO38):c.767C>T (p.Thr256Ile)

Gene: FBXO38 (F-box protein 38; plus strand). Cytogenetic location: 5q32.
Variant type: single nucleotide variant.
Coding change: c.767C>T on transcript NM_205836.3 (MANE Select); coding-DNA position 767, C replaced by T.
Protein change: p.Thr256Ile; replaces threonine 256 with isoleucine.
Molecular consequence: missense variant.
Genome position (GRCh38, 1-based): chr5:148,406,293, C>T. VCF-style: chr5-148406293-C-T. GRCh37 (hg19) VCF-style: chr5-147785856-C-T.
Other names: c.767C>T, p.Thr256Ile (NM_001271723.2, NM_030793.5); short protein forms T256I.
Identifiers: ClinVar variation 2744839 (VCV002744839.3), dbSNP rs2531724894, ClinGen allele CA361656313.